The following is an entry in ClinVar:

ClinVar aggregate classification (germline): Pathogenic. Review status: criteria provided, single submitter (1 of 4 stars). 2 submissions from 2 submitters: Pathogenic (1). 1 of the submissions does not count toward it. Last evaluated 2019-08-14.

Conditions:
Spermatogenic failure 40. Identifiers: MedGen C5231451, MONDO:0032859, OMIM 618664.

Allele frequency attached by ClinVar (database versions not stated): TOPMed 0.00001.
gnomAD v4.1: 4 of 1,613,946 alleles (0.00025%); highest among the groups gnomAD compares: Middle Eastern, 0.017%; no homozygotes.

Submissions (2):

Institute of Reproductive and Stem Cell Engineering, Central South University
Classification: Pathogenic for Spermatogenic failure 40. Last evaluated: 2019-08-14. Review status: criteria provided, single submitter. Criteria: Wang et al. (J Med Genet. 2019). Collection method: research. Allele origin: germline. Inheritance: Autosomal recessive inheritance. Affected: yes. Observed: 1 variant allele, 1 homozygote.
Comment: WES was performed to analyse the genetic etiology of a cohort of 47 individuals with severe asthenozoospermia from 45 unrelated Chinese families. One homozygous non-sense mutation (NM_194302, c.G5341T:p.E1781X), two compound heterozygous mutations (c.C2284T:p.R762X and c.1751delC:p.P584fs) and two compound heterozygous mutations (c.5714_5721del:p.L1905fs and c.C3021A:p.N1007K) were identified in CFAP65 of three individuals with completely immotile spermatozoa, respectively. No biallelic deleterious variants of CFAP65 were detected in the control cohort of 637 individuals. Ultrastructural and immunostaining analyses of spermatozoa from two patients showed highly aberrant sperm morphology with severe defects such as acrosome hypoplasia, disruption of the mitochondrial sheath and absence of the central pair complex.

OMIM
Classification: Pathogenic for SPERMATOGENIC FAILURE 40. Last evaluated: 2020-07-21. Review status: no assertion criteria provided. Collection method: literature only. Allele origin: germline. Not counted in ClinVar's aggregate classification.

Literature cited by the submitters: PubMed 28552195 (cited by OMIM); PubMed 31413122 (cited by OMIM); PubMed 31501240 (cited by OMIM).

NM_194302.4(CFAP65):c.5341G>T (p.Glu1781Ter)

Genes: CFAP65 (cilia and flagella associated protein 65; minus strand), CFAP65-AS1 (CFAP65 antisense RNA 1; plus strand). Cytogenetic location: 2q35.
Variant type: single nucleotide variant.
Coding change: c.5341G>T on transcript NM_194302.4 (MANE Select); coding-DNA position 5341, G replaced by T.
Protein change: p.Glu1781Ter; replaces glutamic acid 1781 with a stop codon.
Molecular consequence: nonsense.
Genome position (GRCh38, 1-based): chr2:219,004,166, C>A on the plus strand (G>T on the coding strand, the complement: CFAP65 is on the minus strand). VCF-style: chr2-219004166-C-A. GRCh37 (hg19) VCF-style: chr2-219868888-C-A.
Other names: short protein forms E1781*.
Identifiers: ClinVar variation 694534 (VCV000694534.6), dbSNP rs1269179049, ClinGen allele CA350621932.
Genomic context (GRCh38, chr2:219,004,166, plus strand): 5'-CCTCCTCCTTCTCCTCTATCTCCTCCTTGCCCAACTCCTCCTCTTCTGTCTCCTCTTCTT[C>A]CTCCTCTTCCTCCTCCAACTCTTCTTCTTCCTCTTCACCCTTCTCCTCCTCCCCCTCTTC-3'